The following is an entry in ClinVar:

NM_003024.3(ITSN1):c.2070_2071del (p.Lys691fs)

Gene: ITSN1 (intersectin 1; plus strand). Cytogenetic location: 21q22.11.
Variant type: Deletion.
Coding change: c.2070_2071del on transcript NM_003024.3 (MANE Select); coding-DNA positions 2070 to 2071, 2 bases deleted (GA; older notation c.2070_2071delGA).
Protein change: p.Lys691fs; shifts the reading frame from lysine 691.
Molecular consequence: frameshift variant.
Genome position (GRCh38, 1-based): chr21:33,797,496-33,797,497, GA deleted; deleting any 2 consecutive bases within chr21:33,797,495-33,797,497 gives the same sequence; the c. name uses the placement nearest the transcript's 3' end. VCF-style (leftmost placement, unchanged base first): chr21-33797494-AAG-A. GRCh37 (hg19) VCF-style: chr21-35169798-AAG-A.
Other names: c.2070_2071del, p.Lys691fs (NM_001001132.2, NM_001331008.2, NM_001331009.2 and 2 more transcripts); c.1959_1960del, p.Lys654fs (NM_001331012.2); short protein forms K691fs, K654fs.
Identifiers: ClinVar variation 4040563 (VCV004040563.1).

ClinVar aggregate classification (germline): Pathogenic (1 of 4 stars; one submission).

Conditions:
Inborn genetic diseases. Identifiers: MedGen C0950123, MeSH D030342.

Submission:

Ambry Genetics
Classification: Pathogenic for Inborn genetic diseases. Last evaluated: 2025-05-27. Review status: criteria provided, single submitter. Criteria: Ambry Variant Classification Scheme 2023. Collection method: clinical testing. Allele origin: germline.
Comment: The c.2070_2071delGA (p.K691Gfs*26) alteration, located in exon 18 (coding exon 17) of the ITSN1 gene, consists of a deletion of 2 nucleotides from position 2070 to 2071, causing a translational frameshift with a predicted alternate stop codon after 26 amino acids. Frameshift alterations are typically deleterious in nature (Richards, 2015). This variant was not reported in population-based cohorts in the Genome Aggregation Database (gnomAD). Based on the available evidence, this alteration is classified as pathogenic.